The following is an entry in ClinVar:

ClinVar aggregate classification (germline): Conflicting classifications of pathogenicity. Review status: criteria provided, conflicting classifications (1 of 4 stars). 3 submissions from 3 submitters: Uncertain significance (2); Benign (1). Last evaluated 2025-08-07.

Allele frequency attached by ClinVar (database versions not stated): 1000 Genomes Project 30x 0.00078; 1000 Genomes Project 0.00080; gnomAD 0.00083 and 0.00088; TOPMed 0.00091; ESP Exome Variant Server 0.00100; gnomAD exomes 0.00124; ExAC 0.00356.

Submissions (3):

Labcorp Genetics (formerly Invitae), Labcorp
Classification: Benign. Last evaluated: 2025-08-07. Review status: criteria provided, single submitter. Criteria: Invitae Variant Classification Sherloc (09022015). Collection method: clinical testing. Allele origin: germline.

GeneDx
Classification: Uncertain significance. Last evaluated: 2024-09-10. Review status: criteria provided, single submitter. Criteria: GeneDx Variant Classification Process June 2021. Collection method: clinical testing. Allele origin: germline. Affected: yes.
Comment: In silico analysis, which includes protein predictors and evolutionary conservation, supports that this variant does not alter protein structure/function; Identified in individuals with obesity (PMID: 16477437, 23104151); however, in one study H77Y was found in an unaffected sibling and in another study it was present at a similar frequency in affected and general populations; This variant is associated with the following publications: (PMID: 23104151, 16477437)

CeGaT Center for Human Genetics Tuebingen
Classification: Uncertain significance. Last evaluated: 2024-08-01. Review status: criteria provided, single submitter. Criteria: CeGaT Center For Human Genetics Tuebingen Variant Classification Criteria Version 2. Collection method: clinical testing. Allele origin: germline. Affected: yes. Observed: 1 variant allele.
Comment: WNT10B: PM2

NM_003394.4(WNT10B):c.229C>T (p.His77Tyr)

Gene: WNT10B (Wnt family member 10B; minus strand). Cytogenetic location: 12q13.12.
Variant type: single nucleotide variant.
Coding change: c.229C>T on transcript NM_003394.4 (MANE Select); coding-DNA position 229, C replaced by T.
Protein change: p.His77Tyr; replaces histidine 77 with tyrosine.
Molecular consequence: missense variant.
Genome position (GRCh38, 1-based): chr12:48,970,197, G>A on the plus strand (C>T on the coding strand, the complement: WNT10B is on the minus strand). VCF-style: chr12-48970197-G-A. GRCh37 (hg19) VCF-style: chr12-49363980-G-A.
Other names: short protein forms H77Y.
Identifiers: ClinVar variation 1218157 (VCV001218157.27), dbSNP rs151284263, ClinGen allele CA6544218.